The following is an entry in ClinVar:

NM_004943.2(DMWD):c.1581A>G (p.Thr527=)

Gene: DMWD (DM1 locus, WD repeat containing; minus strand). Cytogenetic location: 19q13.32.
Variant type: single nucleotide variant.
Coding change: c.1581A>G on transcript NM_004943.2 (MANE Select); coding-DNA position 1581, A replaced by G.
Protein change: p.Thr527=; no amino-acid change (threonine 527 retained).
Molecular consequence: synonymous variant.
Genome position (GRCh38, 1-based): chr19:45,785,915, T>C on the plus strand (A>G on the coding strand, the complement: DMWD is on the minus strand). VCF-style: chr19-45785915-T-C. GRCh37 (hg19) VCF-style: chr19-46289173-T-C.
Identifiers: ClinVar variation 3042541 (VCV003042541.2), dbSNP rs375610071, ClinGen allele CA9522018.

ClinVar aggregate classification (germline): Benign (0 of 4 stars; one submission).

Conditions:
DMWD-related disorder. Also called: DMWD-related condition.

Allele frequency attached by ClinVar (database versions not stated): gnomAD exomes 0.00036; ExAC 0.00091; ESP Exome Variant Server 0.00132; gnomAD 0.00290; TOPMed 0.00346; 1000 Genomes Project 0.00379; 1000 Genomes Project 30x 0.00406.

Submission:

PreventionGenetics, part of Exact Sciences
Classification: Benign for DMWD-related condition. Last evaluated: 2019-11-27. Review status: no assertion criteria provided. Collection method: clinical testing. Allele origin: germline.
Comment: This variant is classified as benign based on ACMG/AMP sequence variant interpretation guidelines (Richards et al. 2015 PMID: 25741868, with internal and published modifications).